The following is an entry in ClinVar:

NM_001042492.3(NF1):c.7345G>C (p.Val2449Leu)

Gene: NF1 (neurofibromin 1; plus strand). Cytogenetic location: 17q11.2.
Variant type: single nucleotide variant.
Coding change: c.7345G>C on transcript NM_001042492.3 (MANE Select); coding-DNA position 7345, G replaced by C.
Protein change: p.Val2449Leu; replaces valine 2449 with leucine.
Molecular consequence: missense variant.
Genome position (GRCh38, 1-based): chr17:31,350,206, G>C. VCF-style: chr17-31350206-G-C. GRCh37 (hg19) VCF-style: chr17-29677224-G-C.
Other names: c.7282G>C, p.Val2428Leu (NM_000267.4); short protein forms V2428L, V2449L.
Identifiers: ClinVar variation 4800802 (VCV004800802.1).

ClinVar aggregate classification (germline): Uncertain significance (1 of 4 stars; one submission).

Conditions:
Neurofibromatosis, type 1 (NF1). Also called: VON RECKLINGHAUSEN DISEASE; Neurofibromatosis, type I; NEUROFIBROMATOSIS, TYPE I, SOMATIC; Peripheral type neurofibromatosis. Identifiers: Orphanet 636, MedGen C0027831, MONDO:0018975, OMIM 162200. Disease mechanism: loss of function.

Submission:

Labcorp Genetics (formerly Invitae), Labcorp
Classification: Uncertain significance for Neurofibromatosis, type 1. Last evaluated: 2025-12-15. Review status: criteria provided, single submitter. Criteria: Invitae Variant Classification Sherloc (09022015). Collection method: clinical testing. Allele origin: germline.
Comment: This sequence change replaces valine, which is neutral and non-polar, with leucine, which is neutral and non-polar, at codon 2428 of the NF1 protein (p.Val2428Leu). This variant is not present in population databases (gnomAD no frequency). This variant has not been reported in the literature in individuals affected with NF1-related conditions. Invitae Evidence Modeling of protein sequence and biophysical properties (such as structural, functional, and spatial information, amino acid conservation, physicochemical variation, residue mobility, and thermodynamic stability) has been performed for this missense variant. However, the output from this modeling did not meet the statistical confidence thresholds required to predict the impact of this variant on NF1 protein function. In summary, the available evidence is currently insufficient to determine the role of this variant in disease. Therefore, it has been classified as a Variant of Uncertain Significance.